The following is an entry in ClinVar:

ClinVar aggregate classification (germline): Uncertain significance (1 of 4 stars; one submission).

Conditions:
Intellectual developmental disorder, X-linked 1. Also called: Atkin Flaitz Patil Smith syndrome; Intellectual disability, X-linked 1; MENTAL RETARDATION, X-LINKED 18; MENTAL RETARDATION, X-LINKED 78. Identifiers: Orphanet 777, MedGen C2931498, MONDO:0010656, OMIM 309530.

Submission:

Labcorp Genetics (formerly Invitae), Labcorp
Classification: Uncertain significance for Intellectual developmental disorder, X-linked 1. Last evaluated: 2023-05-11. Review status: criteria provided, single submitter. Criteria: Invitae Variant Classification Sherloc (09022015). Collection method: clinical testing. Allele origin: germline.
Comment: This variant is not present in population databases (gnomAD no frequency). This variant has not been reported in the literature in individuals affected with IQSEC2-related conditions. Advanced modeling of protein sequence and biophysical properties (such as structural, functional, and spatial information, amino acid conservation, physicochemical variation, residue mobility, and thermodynamic stability) has been performed at Invitae for this missense variant, however the output from this modeling did not meet the statistical confidence thresholds required to predict the impact of this variant on IQSEC2 protein function. In summary, the available evidence is currently insufficient to determine the role of this variant in disease. Therefore, it has been classified as a Variant of Uncertain Significance. This sequence change replaces serine, which is neutral and polar, with phenylalanine, which is neutral and non-polar, at codon 716 of the IQSEC2 protein (p.Ser716Phe).

NM_001111125.3(IQSEC2):c.2147C>T (p.Ser716Phe)

Gene: IQSEC2 (IQ motif and Sec7 domain ArfGEF 2; minus strand). Cytogenetic location: Xp11.22.
Variant type: single nucleotide variant.
Coding change: c.2147C>T on transcript NM_001111125.3 (MANE Select); coding-DNA position 2147, C replaced by T.
Protein change: p.Ser716Phe; replaces serine 716 with phenylalanine.
Molecular consequence: missense variant.
Genome position (GRCh38, 1-based): chrX:53,250,429, G>A on the plus strand (C>T on the coding strand, the complement: IQSEC2 is on the minus strand). VCF-style: chrX-53250429-G-A. GRCh37 (hg19) VCF-style: chrX-53279611-G-A.
Other names: c.2147C>T, p.Ser716Phe (NM_001410736.1); c.1532C>T, p.Ser511Phe (NM_015075.2); short protein forms S511F, S716F.
Identifiers: ClinVar variation 2863190 (VCV002863190.3), dbSNP rs781891681, ClinGen allele CA413160549.